The following is an entry in ClinVar:

NM_001045.6(SLC6A4):c.*2703A>G

Gene: SLC6A4 (solute carrier family 6 member 4; minus strand). Cytogenetic location: 17q11.2.
Variant type: single nucleotide variant.
Coding change: c.*2703A>G on transcript NM_001045.6 (MANE Select); 2703 bases downstream of the stop codon, A replaced by G.
Molecular consequence: 3 prime UTR variant.
Genome position (GRCh38, 1-based): chr17:30,195,753, T>C on the plus strand (A>G on the coding strand, the complement: SLC6A4 is on the minus strand). VCF-style: chr17-30195753-T-C. GRCh37 (hg19) VCF-style: chr17-28522771-T-C.
Identifiers: ClinVar variation 891367 (VCV000891367.4), dbSNP rs189106205, ClinGen allele CA289254091.

ClinVar aggregate classification (germline): Likely benign (1 of 4 stars; one submission).

Conditions:
Behavior disorder. Also called: Behavioral disorder. Identifiers: MedGen C0004930.

Allele frequency attached by ClinVar (database versions not stated): gnomAD 0.00014 and 0.00021; TOPMed 0.00027; 1000 Genomes Project 0.00060; 1000 Genomes Project 30x 0.00062.

Submission:

Illumina Laboratory Services, Illumina
Classification: Likely benign for Behavior disorder. Last evaluated: 2018-01-12. Review status: criteria provided, single submitter. Criteria: ICSL Variant Classification Criteria 13 December 2019. Collection method: clinical testing. Allele origin: germline.
Comment: This variant was observed in the ICSL laboratory as part of a predisposition screen in an ostensibly healthy population. It had not been previously curated by ICSL or reported in the Human Gene Mutation Database (HGMD: prior to June 1st, 2018), and was therefore a candidate for classification through an automated scoring system. Utilizing variant allele frequency, disease prevalence and penetrance estimates, and inheritance mode, an automated score was calculated to assess if this variant is too frequent to cause the disease. Based on the score and internal cut-off values, a variant classified as likely benign is not then subjected to further curation. The score for this variant resulted in a classification of likely benign for this disease.